The following is an entry in ClinVar:

NM_000489.6(ATRX):c.3641A>G (p.Asn1214Ser)

Gene: ATRX (ATRX chromatin remodeler; minus strand). Cytogenetic location: Xq21.1.
Variant type: single nucleotide variant.
Coding change: c.3641A>G on transcript NM_000489.6 (MANE Select); coding-DNA position 3641, A replaced by G.
Protein change: p.Asn1214Ser; replaces asparagine 1214 with serine.
Molecular consequence: missense variant.
Genome position (GRCh38, 1-based): chrX:77,681,615, T>C on the plus strand (A>G on the coding strand, the complement: ATRX is on the minus strand). VCF-style: chrX-77681615-T-C. GRCh37 (hg19) VCF-style: chrX-76937107-T-C.
Other names: c.3527A>G, p.Asn1176Ser (NM_138270.5); short protein forms N1176S, N1214S.
Identifiers: ClinVar variation 1327213 (VCV001327213.11), dbSNP rs144527582, ClinGen allele CA10457929.

ClinVar aggregate classification (germline): Uncertain significance. Review status: criteria provided, multiple submitters, no conflicts (2 of 4 stars). 3 submissions from 3 submitters: Uncertain significance (3). Last evaluated 2026-06-10.

Conditions:
Inborn genetic diseases. Identifiers: MedGen C0950123, MeSH D030342.
Alpha thalassemia-X-linked intellectual disability syndrome (ATRX). Also called: ALPHA-THALASSEMIA/IMPAIRED INTELLECTUAL DEVELOPMENT SYNDROME, X-LINKED; ATR-X syndrome; Alpha thalassemia mental retardation syndrome, nondeletion type, X-linked; XLMR hypotonic face syndrome; ALPHA-THALASSEMIA/MENTAL RETARDATION SYNDROME, X-LINKED; ATR, NONDELETION TYPE. Identifiers: Orphanet 847, MedGen C1845055, MONDO:0010519, OMIM 301040.

gnomAD v4.1: 8 of 1,204,998 alleles (0.00066%); highest among the groups gnomAD compares: African/African-American, 0.007%; no homozygotes.

Submissions (3):

Ambry Genetics
Classification: Uncertain significance for Inborn genetic diseases. Last evaluated: 2026-06-10. Review status: criteria provided, single submitter. Criteria: Ambry Variant Classification Scheme 2023. Collection method: clinical testing. Allele origin: germline.

Labcorp Genetics (formerly Invitae), Labcorp
Classification: Uncertain significance for Alpha thalassemia-X-linked intellectual disability syndrome. Last evaluated: 2025-04-13. Review status: criteria provided, single submitter. Criteria: Invitae Variant Classification Sherloc (09022015). Collection method: clinical testing. Allele origin: germline.
Comment: This sequence change replaces asparagine, which is neutral and polar, with serine, which is neutral and polar, at codon 1214 of the ATRX protein (p.Asn1214Ser). This variant is not present in population databases (gnomAD no frequency). This variant has not been reported in the literature in individuals affected with ATRX-related conditions. ClinVar contains an entry for this variant (Variation ID: 1327213). Invitae Evidence Modeling of protein sequence and biophysical properties (such as structural, functional, and spatial information, amino acid conservation, physicochemical variation, residue mobility, and thermodynamic stability) indicates that this missense variant is not expected to disrupt ATRX protein function with a negative predictive value of 95%. In summary, the available evidence is currently insufficient to determine the role of this variant in disease. Therefore, it has been classified as a Variant of Uncertain Significance.

GeneDx
Classification: Uncertain significance. Last evaluated: 2023-03-30. Review status: criteria provided, single submitter. Criteria: GeneDx Variant Classification Process June 2021. Collection method: clinical testing. Allele origin: germline. Affected: yes.
Comment: Not observed at significant frequency in large population cohorts (gnomAD); In silico analysis supports that this missense variant does not alter protein structure/function; Has not been previously published as pathogenic or benign to our knowledge